The following is an entry in ClinVar:

ClinVar aggregate classification (germline): Benign/Likely benign. Review status: criteria provided, multiple submitters, no conflicts (2 of 4 stars). 12 submissions from 10 submitters: Benign (3); Likely benign (8). 1 of the submissions does not count toward it. Last evaluated 2026-01-24.

Conditions:
Complement component 3 deficiency. Identifiers: Orphanet 280133, MedGen C3151071, MONDO:0013417, OMIM 613779.
C3-related disorder. Also called: C3-related condition.
Kidney disorder. Also called: renal disorder; Kidney disease; Kidney Diseases; Nephropathy; renal disease. Identifiers: MedGen C0022658, MONDO:0005240, HP:0000112.
Atypical hemolytic-uremic syndrome with C3 anomaly. Also called: AHUS, SUSCEPTIBILITY TO, 5. Identifiers: Orphanet 2134, MedGen C2752037, MONDO:0013043, OMIM 612925.
Age related macular degeneration 9. Identifiers: MedGen C1969651, MONDO:0012659, OMIM 611378.

Allele frequency attached by ClinVar (database versions not stated): gnomAD exomes 0.00022 and 0.00065; ExAC 0.00084; 1000 Genomes Project 0.00180; 1000 Genomes Project 30x 0.00187; TOPMed 0.00244; gnomAD 0.00252 and 0.00261; ESP Exome Variant Server 0.00315.
gnomAD v4.1: 731 of 1,613,922 alleles (0.045%); highest among the groups gnomAD compares: African/African-American, 0.77%; 1 homozygote.

Submissions (12):

Labcorp Genetics (formerly Invitae), Labcorp
Classification: Benign. Last evaluated: 2026-01-24. Review status: criteria provided, single submitter. Criteria: Invitae Variant Classification Sherloc (09022015). Collection method: clinical testing. Allele origin: germline.

CeGaT Center for Human Genetics Tuebingen
Classification: Likely benign. Last evaluated: 2026-01-01. Review status: criteria provided, single submitter. Criteria: CeGaT Center For Human Genetics Tuebingen Variant Classification Criteria Version 2. Collection method: clinical testing. Allele origin: germline. Affected: yes. Observed: 1 variant allele.
Comment: C3: BP4, BP7

Mayo Clinic Laboratories, Mayo Clinic
Classification: Likely benign. Last evaluated: 2025-12-08. Review status: criteria provided, single submitter. Criteria: ACMG Guidelines, 2015. Collection method: clinical testing. Allele origin: germline. Observed: 14 variant alleles.
Comment: BP4, BP7

Blueprint Genetics
Classification: Likely benign. Last evaluated: 2024-10-24. Review status: criteria provided, single submitter. Criteria: ACMG Guidelines, 2015. Collection method: clinical testing. Allele origin: germline.

Fulgent Genetics
Classification: Benign for Age related macular degeneration 9; Atypical hemolytic-uremic syndrome with C3 anomaly; Complement component 3 deficiency. Last evaluated: 2021-07-20. Review status: criteria provided, single submitter. Criteria: ACMG Guidelines, 2015. Collection method: clinical testing. Allele origin: unknown.

Genetic Services Laboratory, University of Chicago
Classification: Likely benign. Last evaluated: 2019-03-26. Review status: criteria provided, single submitter. Criteria: ACMG Guidelines, 2015. Collection method: clinical testing. Allele origin: germline. Affected: no.

Genome Diagnostics Laboratory, The Hospital for Sick Children
Classification: Likely benign for Kidney disorder. Last evaluated: 2018-02-01. Review status: criteria provided, single submitter. Criteria: ACMG Guidelines, 2015. Collection method: clinical testing. Allele origin: germline.

Illumina Laboratory Services, Illumina
Classification: Benign for Atypical hemolytic-uremic syndrome with C3 anomaly. Last evaluated: 2018-01-13. Review status: criteria provided, single submitter. Criteria: ICSL Variant Classification Criteria 13 December 2019. Collection method: clinical testing. Allele origin: germline.
Comment: This variant was observed in the ICSL laboratory as part of a predisposition screen in an ostensibly healthy population. It had not been previously curated by ICSL or reported in the Human Gene Mutation Database (HGMD: prior to June 1st, 2018), and was therefore a candidate for classification through an automated scoring system. Utilizing variant allele frequency, disease prevalence and penetrance estimates, and inheritance mode, an automated score was calculated to assess if this variant is too frequent to cause the disease. Based on the score and internal cut-off values, a variant classified as benign is not then subjected to further curation. The score for this variant resulted in a classification of benign for this disease.

Illumina Laboratory Services, Illumina
Classification: Likely benign for Age related macular degeneration 9. Last evaluated: 2018-01-13. Review status: criteria provided, single submitter. Criteria: ICSL Variant Classification Criteria 13 December 2019. Collection method: clinical testing. Allele origin: germline.
Comment: This variant was observed in the ICSL laboratory as part of a predisposition screen in an ostensibly healthy population. It had not been previously curated by ICSL or reported in the Human Gene Mutation Database (HGMD: prior to June 1st, 2018), and was therefore a candidate for classification through an automated scoring system. Utilizing variant allele frequency, disease prevalence and penetrance estimates, and inheritance mode, an automated score was calculated to assess if this variant is too frequent to cause the disease. Based on the score and internal cut-off values, a variant classified as likely benign is not then subjected to further curation. The score for this variant resulted in a classification of likely benign for this disease.

Illumina Laboratory Services, Illumina
Classification: Likely benign for Complement component 3 deficiency. Last evaluated: 2018-01-13. Review status: criteria provided, single submitter. Criteria: ICSL Variant Classification Criteria 13 December 2019. Collection method: clinical testing. Allele origin: germline.
Comment: the same text as in the submission from Illumina Laboratory Services, Illumina above.

Breakthrough Genomics
Classification: Likely benign. Review status: criteria provided, single submitter. Criteria: ACMG Guidelines, 2015. Collection method: not provided. Allele origin: germline. Inheritance: Autosomal recessive inheritance. Affected: yes.

PreventionGenetics, part of Exact Sciences
Classification: Benign for C3-related condition. Last evaluated: 2019-07-08. Review status: no assertion criteria provided. Collection method: clinical testing. Allele origin: germline. Not counted in ClinVar's aggregate classification.
Comment: This variant is classified as benign based on ACMG/AMP sequence variant interpretation guidelines (Richards et al. 2015 PMID: 25741868, with internal and published modifications).

NM_000064.4(C3):c.4878T>C (p.Thr1626=)

Gene: C3 (complement C3; minus strand). Cytogenetic location: 19p13.3.
Variant type: single nucleotide variant.
Coding change: c.4878T>C on transcript NM_000064.4 (MANE Select); coding-DNA position 4878, T replaced by C.
Protein change: p.Thr1626=; no amino-acid change (threonine 1626 retained).
Molecular consequence: synonymous variant.
Genome position (GRCh38, 1-based): chr19:6,677,996, A>G on the plus strand (T>C on the coding strand, the complement: C3 is on the minus strand). VCF-style: chr19-6677996-A-G. GRCh37 (hg19) VCF-style: chr19-6678007-A-G.
Other names: p.Thr1626=.
Identifiers: ClinVar variation 789661 (VCV000789661.30), dbSNP rs1803223, ClinGen allele CA9128206.